The following is an entry in ClinVar:

NM_006648.4(WNK2):c.3548G>A (p.Arg1183Lys)

Gene: WNK2 (WNK lysine deficient protein kinase 2; plus strand). Cytogenetic location: 9q22.31.
Variant type: single nucleotide variant.
Coding change: c.3548G>A on transcript NM_006648.4 (MANE Select); coding-DNA position 3548, G replaced by A.
Protein change: p.Arg1183Lys; replaces arginine 1183 with lysine.
Molecular consequence: missense variant.
Genome position (GRCh38, 1-based): chr9:93,263,703, G>A. VCF-style: chr9-93263703-G-A. GRCh37 (hg19) VCF-style: chr9-96025985-G-A.
Other names: c.3548G>A, p.Arg1183Lys (NM_001282394.3); short protein forms R1183K.
Identifiers: ClinVar variation 4201610 (VCV004201610.1).

ClinVar aggregate classification (germline): Uncertain significance (1 of 4 stars; one submission).

gnomAD v4.1: 1 of 1,539,760 alleles (0.000065%); no homozygotes.

Submission:

Ambry Genetics
Classification: Uncertain significance. Last evaluated: 2025-07-11. Review status: criteria provided, single submitter. Criteria: Ambry Variant Classification Scheme 2023. Collection method: clinical testing. Allele origin: germline.
Comment: The p.R1183K variant (also known as c.3548G>A), located in coding exon 14 of the WNK2 gene, results from a G to A substitution at nucleotide position 3548. The arginine at codon 1183 is replaced by lysine, an amino acid with highly similar properties. This amino acid position is conserved. In addition, this alteration is predicted to be tolerated by in silico analysis. Based on the available evidence, the clinical significance of this variant remains unclear.